The following is an entry in ClinVar:

NM_198859.4(PRICKLE2):c.2327C>G (p.Ser776Cys)

Genes: PRICKLE2 (prickle planar cell polarity protein 2; minus strand), PRICKLE2-AS1 (PRICKLE2 antisense RNA 1; plus strand). Cytogenetic location: 3p14.1.
Variant type: single nucleotide variant.
Coding change: c.2327C>G on transcript NM_198859.4 (MANE Select); coding-DNA position 2327, C replaced by G.
Protein change: p.Ser776Cys; replaces serine 776 with cysteine.
Molecular consequence: missense variant. On other transcripts: non-coding transcript variant (1).
Genome position (GRCh38, 1-based): chr3:64,099,259, G>C on the plus strand (C>G on the coding strand, the complement: PRICKLE2 is on the minus strand). VCF-style: chr3-64099259-G-C. GRCh37 (hg19) VCF-style: chr3-64084935-G-C.
Other names: c.2327C>G, p.Ser776Cys (NM_001370528.1); short protein forms S776C.
Identifiers: ClinVar variation 1037059 (VCV001037059.6), dbSNP rs2076614473, ClinGen allele CA353426126.
Genomic context (GRCh38, chr3:64,099,259, plus strand): 5'-GGGATGGGTTCTCCTAGGAAATAGCCCTCGTTGTCAGACTCTGAAGAGGAGGAGCAGGTG[G>C]AACACCAATCATACTCGGCGAAGTAGGGTCCCCAGCGGTCCCCAAAGGCATTCTGCAAAG-3'
Protein context (NP_942559.1, residues 766-786): GPYFAEYDWC[Ser776Cys]TCSSSSESDN

ClinVar aggregate classification (germline): Uncertain significance. Review status: criteria provided, multiple submitters, no conflicts (2 of 4 stars). 2 submissions from 2 submitters: Uncertain significance (2). Last evaluated 2024-09-05.

Conditions:
Progressive myoclonic epilepsy type 5. Identifiers: Orphanet 402082, MedGen C5190799.

Allele frequency attached by ClinVar (database versions not stated): gnomAD exomes below 0.00001.
gnomAD v4.1: 1 of 1,614,134 alleles (0.000062%); highest among the groups gnomAD compares: Non-Finnish European, 0.000085%; no homozygotes.

Submissions (2):

Blueprint Genetics
Classification: Uncertain significance. Last evaluated: 2024-09-05. Review status: criteria provided, single submitter. Criteria: ACMG Guidelines, 2015. Collection method: clinical testing. Allele origin: germline.

Labcorp Genetics (formerly Invitae), Labcorp
Classification: Uncertain significance for Progressive myoclonic epilepsy type 5. Last evaluated: 2022-07-11. Review status: criteria provided, single submitter. Criteria: Invitae Variant Classification Sherloc (09022015). Collection method: clinical testing. Allele origin: germline.
Comment: This sequence change replaces serine, which is neutral and polar, with cysteine, which is neutral and slightly polar, at codon 776 of the PRICKLE2 protein (p.Ser776Cys). In summary, the available evidence is currently insufficient to determine the role of this variant in disease. Therefore, it has been classified as a Variant of Uncertain Significance. Algorithms developed to predict the effect of missense changes on protein structure and function (SIFT, PolyPhen-2, Align-GVGD) all suggest that this variant is likely to be disruptive. ClinVar contains an entry for this variant (Variation ID: 1037059). This variant has not been reported in the literature in individuals affected with PRICKLE2-related conditions. This variant is not present in population databases (gnomAD no frequency).